The following is an entry in ClinVar:

NM_015450.3(POT1):c.1285C>T (p.Gln429Ter)

Gene: POT1 (protection of telomeres 1; minus strand). Cytogenetic location: 7q31.33.
Variant type: single nucleotide variant.
Coding change: c.1285C>T on transcript NM_015450.3 (MANE Select); coding-DNA position 1285, C replaced by T.
Protein change: p.Gln429Ter; replaces glutamine 429 with a stop codon.
Molecular consequence: nonsense. On other transcripts: non-coding transcript variant (3).
Genome position (GRCh38, 1-based): chr7:124,841,057, G>A on the plus strand (C>T on the coding strand, the complement: POT1 is on the minus strand). VCF-style: chr7-124841057-G-A. GRCh37 (hg19) VCF-style: chr7-124481111-G-A.
Other names: c.892C>T, p.Gln298Ter (NM_001042594.2); short protein forms Q298*, Q429*.
Identifiers: ClinVar variation 1768886 (VCV001768886.2), dbSNP rs1584757207, ClinGen allele CA369067115.

ClinVar aggregate classification (germline): Pathogenic (1 of 4 stars; one submission).

Conditions:
Hereditary cancer-predisposing syndrome. Also called: Hereditary Cancer Syndrome; Hereditary neoplastic syndrome; Neoplastic Syndromes, Hereditary; Tumor predisposition. Identifiers: Orphanet 140162, MedGen C0027672, MeSH D009386, MONDO:0015356.

Submission:

Ambry Genetics
Classification: Pathogenic for Hereditary cancer-predisposing syndrome. Last evaluated: 2022-08-31. Review status: criteria provided, single submitter. Criteria: Ambry Variant Classification Scheme 2023. Collection method: clinical testing. Allele origin: germline.
Comment: The p.Q429* variant (also known as c.1285C>T), located in coding exon 10 of the POT1 gene, results from a C to T substitution at nucleotide position 1285. This changes the amino acid from a glutamine to a stop codon within coding exon 10. This alteration is expected to result in loss of function by premature protein truncation or nonsense-mediated mRNA decay. As such, this alteration is interpreted as a disease-causing mutation.